The following is an entry in ClinVar:

ClinVar aggregate classification (germline): Uncertain significance (1 of 4 stars; one submission).

Conditions:
Porokeratosis 3, disseminated superficial actinic type (POROK3). Also called: POROKERATOSIS 3, MULTIPLE TYPES; POROKERATOSIS 3, MIBELLI TYPE; POROKERATOSIS, DISSEMINATED SUPERFICIAL ACTINIC, 1. Identifiers: MedGen C1867981, MONDO:0008293, OMIM 175900.
Mevalonic aciduria (MEVA). Identifiers: Orphanet 29, MedGen C1959626, MONDO:0012481, OMIM 610377.
Hyperimmunoglobulin D with periodic fever (HIDS). Also called: HYPERIMMUNOGLOBULINEMIA D AND PERIODIC FEVER SYNDROME; Hyperimmunoglobulinemia D; Hyperimmunoglobulinemia D with periodic fever. Identifiers: Orphanet 343, MedGen C0398691, MONDO:0009849, OMIM 260920.

Allele frequency attached by ClinVar (database versions not stated): gnomAD 0.00001.
gnomAD v4.1: 3 of 1,614,068 alleles (0.00019%); highest among the groups gnomAD compares: Non-Finnish European, 0.00017%; no homozygotes.

Submission:

Labcorp Genetics (formerly Invitae), Labcorp
Classification: Uncertain significance for Mevalonic aciduria; Hyperimmunoglobulin D with periodic fever; Porokeratosis 3, disseminated superficial actinic type. Last evaluated: 2021-09-24. Review status: criteria provided, single submitter. Criteria: Invitae Variant Classification Sherloc (09022015). Collection method: clinical testing. Allele origin: germline.
Comment: This sequence change replaces glycine with arginine at codon 198 of the MVK protein (p.Gly198Arg). The glycine residue is highly conserved and there is a moderate physicochemical difference between glycine and arginine. This variant is present in population databases (rs202172198, ExAC 0.002%). This variant has not been reported in the literature in individuals with MVK-related conditions. Advanced modeling of protein sequence and biophysical properties (such as structural, functional, and spatial information, amino acid conservation, physicochemical variation, residue mobility, and thermodynamic stability) performed at Invitae indicates that this missense variant is expected to disrupt MVK protein function. In summary, the available evidence is currently insufficient to determine the role of this variant in disease. Therefore, it has been classified as a Variant of Uncertain Significance.

NM_000431.4(MVK):c.592G>C (p.Gly198Arg)

Gene: MVK (mevalonate kinase; plus strand). Cytogenetic location: 12q24.11.
Variant type: single nucleotide variant.
Coding change: c.592G>C on transcript NM_000431.4 (MANE Select); coding-DNA position 592, G replaced by C.
Protein change: p.Gly198Arg; replaces glycine 198 with arginine.
Molecular consequence: missense variant.
Genome position (GRCh38, 1-based): chr12:109,586,086, G>C. VCF-style: chr12-109586086-G-C. GRCh37 (hg19) VCF-style: chr12-110023891-G-C.
Other names: c.592G>C, p.Gly198Arg (NM_001114185.3); c.436G>C, p.Gly146Arg (NM_001301182.2); short protein forms G146R, G198R.
Identifiers: ClinVar variation 1514285 (VCV001514285.5), dbSNP rs202172198, ClinGen allele CA6779304.
Genomic context (GRCh38, chr12:109,586,086, plus strand): 5'-ACCAAGGAGGATTTGGAGCTAATTAACAAGTGGGCCTTCCAAGGGGAGAGAATGATTCAC[G>C]GGAACCCCTCCGGAGTGGACAATGCTGTCAGCACCTGGGGTAGGTGTGGCCTCAGGTTTA-3'
Protein context (NP_000422.1, residues 188-208): WAFQGERMIH[Gly198Arg]NPSGVDNAVS